The following is an entry in ClinVar:

ClinVar aggregate classification (germline): Uncertain significance (1 of 4 stars; one submission).

Conditions:
Neurofibromatosis, type 1 (NF1). Also called: Peripheral type neurofibromatosis; VON RECKLINGHAUSEN DISEASE; NEUROFIBROMATOSIS, TYPE I, SOMATIC; Neurofibromatosis, type I. Identifiers: Orphanet 636, MedGen C0027831, MONDO:0018975, OMIM 162200. Disease mechanism: loss of function.

Submission:

Labcorp Genetics (formerly Invitae), Labcorp
Classification: Uncertain significance for Neurofibromatosis, type 1. Last evaluated: 2022-07-11. Review status: criteria provided, single submitter. Criteria: Invitae Variant Classification Sherloc (09022015). Collection method: clinical testing. Allele origin: germline.
Comment: In summary, the available evidence is currently insufficient to determine the role of this variant in disease. Therefore, it has been classified as a Variant of Uncertain Significance. This sequence change replaces serine, which is neutral and polar, with proline, which is neutral and non-polar, at codon 382 of the NF1 protein (p.Ser382Pro). This variant is not present in population databases (gnomAD no frequency). This missense change has been observed in individual(s) with neurofibromatosis type 1 (PMID: 31370276). ClinVar contains an entry for this variant (Variation ID: 963410). Advanced modeling of protein sequence and biophysical properties (such as structural, functional, and spatial information, amino acid conservation, physicochemical variation, residue mobility, and thermodynamic stability) performed at Invitae indicates that this missense variant is expected to disrupt NF1 protein function.

Literature cited by the submitters: PubMed 31370276.

NM_001042492.3(NF1):c.1144T>C (p.Ser382Pro)

Gene: NF1 (neurofibromin 1; plus strand). Cytogenetic location: 17q11.2.
Variant type: single nucleotide variant.
Coding change: c.1144T>C on transcript NM_001042492.3 (MANE Select); coding-DNA position 1144, T replaced by C.
Protein change: p.Ser382Pro; replaces serine 382 with proline.
Molecular consequence: missense variant.
Genome position (GRCh38, 1-based): chr17:31,201,118, T>C. VCF-style: chr17-31201118-T-C. GRCh37 (hg19) VCF-style: chr17-29528136-T-C.
Other names: c.1144T>C, p.Ser382Pro (NM_000267.4, NM_001128147.3); short protein forms S382P.
Identifiers: ClinVar variation 963410 (VCV000963410.6), dbSNP rs2066520625, ClinGen allele CA398997098.